The following is an entry in ClinVar:

NM_012144.4(DNAI1):c.1012dup (p.Leu338fs)

Gene: DNAI1 (dynein axonemal intermediate chain 1; plus strand). Cytogenetic location: 9p13.3.
Variant type: Duplication.
Coding change: c.1012dup on transcript NM_012144.4 (MANE Select); coding-DNA position 1012, one base duplicated (C; older notation c.1012dupC).
Protein change: p.Leu338fs; shifts the reading frame from leucine 338.
Molecular consequence: frameshift variant.
Genome position (GRCh38, 1-based): chr9:34,500,832, C duplicated; the last of 3 consecutive C bases (chr9:34,500,830-34,500,832); duplicating any one gives the same sequence. VCF-style (leftmost placement, unchanged base first): chr9-34500829-G-GC. GRCh37 (hg19) VCF-style: chr9-34500827-G-GC.
Other names: c.1024dup, p.Leu342fs (NM_001281428.2); short protein forms L338fs, L342fs.
Identifiers: ClinVar variation 5011663 (VCV005011663.1).
Genomic context (GRCh38, chr9:34,500,829, plus strand): 5'-GGTACCCTGCTGCCGCTCTGGAAGTTCCAAAATGACAAAGCCAAGCGCCTGTCCGTCACT[G>GC]CCCTCTGCTGGTAAGTATAGGCATTGCAGCAAATGCAGAGCCCCTGAGTGCCCTCTACAT-3'

ClinVar aggregate classification (germline): Pathogenic (1 of 4 stars; one submission).

Conditions:
Kartagener syndrome (CILD1). Also called: CILIARY DYSKINESIA, PRIMARY, 1; CILIARY DYSKINESIA, PRIMARY, 1, WITH OR WITHOUT SITUS INVERSUS; IMMOTILE CILIA SYNDROME; POLYNESIAN BRONCHIECTASIS; Dextrocardia bronchiectasis and sinusitis; SIEWERT SYNDROME. Identifiers: Orphanet 244, MedGen C4551906, MONDO:0009484, OMIM 244400.

Submission:

Myriad Genetics, Inc.
Classification: Pathogenic for Kartagener syndrome. Last evaluated: 2023-09-13. Review status: criteria provided, single submitter. Criteria: Myriad Autosomal Dominant, Autosomal Recessive and X-Linked Classification Criteria (2023). Collection method: clinical testing. Allele origin: unknown.
Comment: NM_012144.2(DNAI1):c.1012dupC(L338Pfs*19) is expected to be pathogenic in the context of primary ciliary dyskinesia, DNAI1-related. This variant is predicted to lead to an abnormal or absent protein product due to the creation of a premature termination codon in DNAI1, a gene where loss-of-function variants are known to be pathogenic. Please note: this variant was assessed in the context of healthy population screening.